The following is an entry in ClinVar:

ClinVar aggregate classification (germline): Likely benign. Review status: criteria provided, multiple submitters, no conflicts (2 of 4 stars). 3 submissions from 3 submitters: Likely benign (3). Last evaluated 2023-04-03.

Conditions:
Inborn genetic diseases. Identifiers: MedGen C0950123, MeSH D030342.

Allele frequency attached by ClinVar (database versions not stated): gnomAD exomes below 0.00001; TOPMed below 0.00001.

Submissions (3):

Labcorp Genetics (formerly Invitae), Labcorp
Classification: Likely benign. Last evaluated: 2023-04-03. Review status: criteria provided, single submitter. Criteria: Invitae Variant Classification Sherloc (09022015). Collection method: clinical testing. Allele origin: germline.

Ambry Genetics
Classification: Likely benign for Inborn genetic diseases. Last evaluated: 2022-08-03. Review status: criteria provided, single submitter. Criteria: Ambry Variant Classification Scheme 2023. Collection method: clinical testing. Allele origin: germline.

CeGaT Center for Human Genetics Tuebingen
Classification: Likely benign. Last evaluated: 2022-07-01. Review status: criteria provided, single submitter. Criteria: CeGaT Center For Human Genetics Tuebingen Variant Classification Criteria Version 2. Collection method: clinical testing. Allele origin: germline. Affected: yes. Observed: 1 variant allele.
Comment: ERCC2: PM2:Supporting, BP4, BP7

NM_000400.4(ERCC2):c.678C>T (p.Ala226=)

Gene: ERCC2 (ERCC excision repair 2, TFIIH core complex helicase subunit; minus strand). Cytogenetic location: 19q13.32.
Variant type: single nucleotide variant.
Coding change: c.678C>T on transcript NM_000400.4 (MANE Select); coding-DNA position 678, C replaced by T.
Protein change: p.Ala226=; no amino-acid change (alanine 226 retained).
Molecular consequence: synonymous variant.
Genome position (GRCh38, 1-based): chr19:45,364,464, G>A on the plus strand (C>T on the coding strand, the complement: ERCC2 is on the minus strand). VCF-style: chr19-45364464-G-A. GRCh37 (hg19) VCF-style: chr19-45867722-G-A.
Other names: c.606C>T, p.Ala202= (NM_001130867.2).
Identifiers: ClinVar variation 1398295 (VCV001398295.33), dbSNP rs755405968, ClinGen allele CA308967555.
Genomic context (GRCh38, chr19:45,364,464, plus strand): 5'-GCCCCTGGCGCCCCCCTCACCAATGTTGTGGGCCTCGTCGAAGACCACGACGGCCTTGCG[G>A]GCCAGTTCCTTGGACACCAGGTCTGCAATCTTGGGGTCCAGGAGGTAGTGGTAGCTATAA-3'
Protein context (NP_000391.1, residues 216-236): KIADLVSKEL[Ala226=]RKAVVVFDEA